The following is an entry in ClinVar:

ClinVar aggregate classification (germline): Benign/Likely benign. Review status: criteria provided, multiple submitters, no conflicts (2 of 4 stars). 4 submissions from 4 submitters: Benign (1); Likely benign (3). Last evaluated 2024-09-23.

Conditions:
Long QT syndrome 8. Identifiers: MedGen CN260585, MONDO:0032756, OMIM 618447.
Brugada syndrome 3 (BRGDA3). Identifiers: Orphanet 130, MedGen C2678478, MONDO:0012742, OMIM 611875.
Timothy syndrome (TS). Also called: LONG QT SYNDROME WITH SYNDACTYLY. Identifiers: Orphanet 65283, MedGen C1832916, MeSH C536962, MONDO:0010979, OMIM 601005.
Long QT syndrome (LQTS). Identifiers: MedGen C0023976, MeSH D008133, MONDO:0002442. Disease mechanism: loss of function. Inheritance: Various modes of inheritance.

Allele frequency attached by ClinVar (database versions not stated): gnomAD exomes 0.00005 and 0.00018; gnomAD 0.00009; TOPMed 0.00011; 1000 Genomes Project 30x 0.00016; ExAC 0.00046.
gnomAD v4.1: 87 of 1,573,712 alleles (0.0055%); highest among the groups gnomAD compares: East Asian, 0.19%; no homozygotes.

Submissions (4):

Blueprint Genetics
Classification: Likely benign. Last evaluated: 2024-09-23. Review status: criteria provided, single submitter. Criteria: ACMG Guidelines, 2015. Collection method: clinical testing. Allele origin: germline.

Labcorp Genetics (formerly Invitae), Labcorp
Classification: Benign for Long QT syndrome. Last evaluated: 2023-07-17. Review status: criteria provided, single submitter. Criteria: Invitae Variant Classification Sherloc (09022015). Collection method: clinical testing. Allele origin: germline.

Fulgent Genetics
Classification: Likely benign for Timothy syndrome; Brugada syndrome 3; Long QT syndrome 8. Last evaluated: 2022-05-25. Review status: criteria provided, single submitter. Criteria: ACMG Guidelines, 2015. Collection method: clinical testing. Allele origin: unknown.

GeneDx
Classification: Likely benign. Last evaluated: 2017-10-03. Review status: criteria provided, single submitter. Criteria: GeneDx Variant Classification (06012015). Collection method: clinical testing. Allele origin: germline. Affected: yes.
Comment: This variant is considered likely benign or benign based on one or more of the following criteria: it is a conservative change, it occurs at a poorly conserved position in the protein, it is predicted to be benign by multiple in silico algorithms, and/or has population frequency not consistent with disease.

NM_000719.7(CACNA1C):c.5444+719G>A

Genes: CACNA1C (calcium voltage-gated channel subunit alpha1 C; plus strand), CACNA1C-AS1 (CACNA1C antisense RNA 1; minus strand). Cytogenetic location: 12p13.33.
Variant type: single nucleotide variant.
Coding change: c.5444+719G>A on transcript NM_000719.7 (MANE Select); 719 bases into the intron after coding-DNA position 5444, G replaced by A.
Molecular consequence: intron variant. On other transcripts: missense variant (1).
Genome position (GRCh38, 1-based): chr12:2,680,515, G>A. VCF-style: chr12-2680515-G-A. GRCh37 (hg19) VCF-style: chr12-2789681-G-A.
Other names: c.5564G>A, p.Cys1855Tyr (NM_001167625.2); c.5444+719G>A (NM_001167624.3, NM_001167623.2, NM_001129840.2 and 4 more transcripts); c.5588+719G>A (NM_199460.4, NM_001129827.2); c.5504+719G>A (NM_001129832.2); c.5528+719G>A (NM_001129831.2); c.5501+719G>A (NM_001129833.2, NM_001129834.2, NM_001129835.2); c.5567+719G>A (NM_001129829.2); c.5468+719G>A (NM_001129837.2, NM_001129838.2); and 4 more; short protein forms C1855Y.
Identifiers: ClinVar variation 381481 (VCV000381481.11), dbSNP rs765829807, ClinGen allele CA6389813.
Genomic context (GRCh38, chr12:2,680,515, plus strand): 5'-GTTCCCTGGCGGGGCTGAGAGAGGACACACCCTGCATCGTGCCTGGCCACGCTTCACTGT[G>A]CTGCTCTTCCAGAGTAGGAGAGTGGCTCCCAGCAGGCTGCACAGCCCCCCAGCATGCCAG-3'